The following is an entry in ClinVar:

ClinVar aggregate classification (germline): Conflicting classifications of pathogenicity. Review status: criteria provided, conflicting classifications (1 of 4 stars). 7 submissions from 7 submitters: Uncertain significance (6); Benign (1). Last evaluated 2025-09-22.

Conditions:
Familial adenomatous polyposis 1 (FAP1). Also called: FAMILIAL ADENOMATOUS POLYPOSIS 1, ATTENUATED; POLYPOSIS, ADENOMATOUS INTESTINAL. Identifiers: MedGen C2713442, MONDO:0021056, OMIM 175100. Disease mechanism: loss of function.
Classic or attenuated familial adenomatous polyposis. Identifiers: MedGen CN372698, MONDO:0021057.
Hereditary cancer-predisposing syndrome. Also called: Hereditary neoplastic syndrome; Neoplastic Syndromes, Hereditary; Tumor predisposition; Hereditary Cancer Syndrome. Identifiers: Orphanet 140162, MedGen C0027672, MeSH D009386, MONDO:0015356.

Allele frequency attached by ClinVar (database versions not stated): gnomAD exomes below 0.00001; TOPMed below 0.00001.
gnomAD v4.1: 3 of 1,614,096 alleles (0.00019%); highest among the groups gnomAD compares: Non-Finnish European, 0.00025%; no homozygotes.

Submissions (7):

Ambry Genetics
Classification: Benign for Hereditary cancer-predisposing syndrome. Last evaluated: 2025-09-22. Review status: criteria provided, single submitter. Criteria: Ambry Variant Classification Scheme 2023. Collection method: clinical testing. Allele origin: germline.

Labcorp Genetics (formerly Invitae), Labcorp
Classification: Uncertain significance for Familial adenomatous polyposis 1. Last evaluated: 2025-06-02. Review status: criteria provided, single submitter. Criteria: Invitae Variant Classification Sherloc (09022015). Collection method: clinical testing. Allele origin: germline.
Comment: This sequence change replaces serine, which is neutral and polar, with asparagine, which is neutral and polar, at codon 787 of the APC protein (p.Ser787Asn). This variant is not present in population databases (gnomAD no frequency). This variant has not been reported in the literature in individuals affected with APC-related conditions. ClinVar contains an entry for this variant (Variation ID: 422610). Invitae Evidence Modeling of protein sequence and biophysical properties (such as structural, functional, and spatial information, amino acid conservation, physicochemical variation, residue mobility, and thermodynamic stability) indicates that this missense variant is not expected to disrupt APC protein function with a negative predictive value of 95%. In summary, the available evidence is currently insufficient to determine the role of this variant in disease. Therefore, it has been classified as a Variant of Uncertain Significance.

Color Diagnostics, LLC DBA Color Health
Classification: Uncertain significance for Hereditary cancer-predisposing syndrome. Last evaluated: 2024-12-11. Review status: criteria provided, single submitter. Criteria: ACMG Guidelines, 2015. Collection method: clinical testing. Allele origin: germline.
Comment: This missense variant replaces serine with asparagine at codon 787 of the APC protein. Computational prediction suggests that this variant may not impact protein structure and function (internally defined REVEL score threshold <= 0.5, PMID: 27666373). To our knowledge, functional studies have not been reported for this variant. This variant has not been reported in individuals affected with APC-related disorders in the literature. This variant has not been identified in the general population by the Genome Aggregation Database (gnomAD). The available evidence is insufficient to determine the role of this variant in disease conclusively. Therefore, this variant is classified as a Variant of Uncertain Significance.

All of Us Research Program, National Institutes of Health
Classification: Uncertain significance for Classic or attenuated familial adenomatous polyposis. Last evaluated: 2024-04-16. Review status: criteria provided, single submitter. Criteria: ACMG Guidelines, 2015. Collection method: clinical testing. Allele origin: germline. Inheritance: Autosomal dominant inheritance. Observed: 5 variant alleles, 5 heterozygotes.
Comment: This missense variant replaces serine with asparagine at codon 787 of the APC protein. Computational prediction suggests that this variant may not impact protein structure and function (internally defined REVEL score threshold <= 0.5, PMID: 27666373). To our knowledge, functional studies have not been reported for this variant. This variant has not been reported in individuals affected with APC-related disorders in the literature. This variant has not been identified in the general population by the Genome Aggregation Database (gnomAD). The available evidence is insufficient to determine the role of this variant in disease conclusively. Therefore, this variant is classified as a Variant of Uncertain Significance.

This study involves interpretation of variants in research participants for the purpose of population health screening. Participant phenotype was not available at the time of variant classification. Additional details can be found in publication PMID: 35346344, PMCID: PMC8962531

Baylor Genetics
Classification: Uncertain significance for Familial adenomatous polyposis 1. Last evaluated: 2024-02-19. Review status: criteria provided, single submitter. Criteria: ACMG Guidelines, 2015. Collection method: clinical testing. Allele origin: unknown.

GeneDx
Classification: Uncertain significance. Last evaluated: 2021-11-23. Review status: criteria provided, single submitter. Criteria: GeneDx Variant Classification Process June 2021. Collection method: clinical testing. Allele origin: germline. Affected: yes.
Comment: Not observed at significant frequency in large population cohorts (Lek et al., 2016); In silico analysis supports that this missense variant does not alter protein structure/function; Observed in at least one individual with an unspecified cancer undergoing multi-gene panel testing (Mandelker 2017); This variant is associated with the following publications: (PMID: 28873162)

Mendelics
Classification: Uncertain significance for Familial adenomatous polyposis 1. Last evaluated: 2018-07-02. Review status: criteria provided, single submitter. Criteria: Mendelics Assertion Criteria 2017. Collection method: clinical testing. Allele origin: unknown.

Literature cited by the submitters: PubMed 28873162 (cited by Ambry Genetics).

NM_000038.6(APC):c.2360G>A (p.Ser787Asn)

Gene: APC (APC regulator of Wnt signaling pathway; plus strand). Cytogenetic location: 5q22.2.
Variant type: single nucleotide variant.
Coding change: c.2360G>A on transcript NM_000038.6 (MANE Select); coding-DNA position 2360, G replaced by A.
Protein change: p.Ser787Asn; replaces serine 787 with asparagine.
Molecular consequence: missense variant.
Genome position (GRCh38, 1-based): chr5:112,837,954, G>A. VCF-style: chr5-112837954-G-A. GRCh37 (hg19) VCF-style: chr5-112173651-G-A.
Other names: c.2360G>A, p.Ser787Asn (NM_001127510.3, NM_001354895.2); c.2306G>A, p.Ser769Asn (NM_001127511.3); c.2414G>A, p.Ser805Asn (NM_001354896.2); c.2390G>A, p.Ser797Asn (NM_001354897.2); c.2285G>A, p.Ser762Asn (NM_001354898.2); c.2276G>A, p.Ser759Asn (NM_001354899.2); c.2237G>A, p.Ser746Asn (NM_001354900.2); c.2183G>A, p.Ser728Asn (NM_001354901.2); and 5 more; short protein forms S769N, S787N, S728N, S762N, S504N, S661N, S686N, S746N.
Identifiers: ClinVar variation 422610 (VCV000422610.27), dbSNP rs910898245, ClinGen allele CA16026510.